The following is an entry in ClinVar:

NM_001114753.3(ENG):c.777_778dup (p.Ser260fs)

Gene: ENG (endoglin; minus strand). Cytogenetic location: 9q34.11.
Variant type: Microsatellite.
Coding change: c.777_778dup on transcript NM_001114753.3 (MANE Select); coding-DNA positions 777 to 778, 2 bases duplicated (GT; older notation c.777_778dupGT).
Protein change: p.Ser260fs; shifts the reading frame from serine 260.
Molecular consequence: frameshift variant.
Genome position (GRCh38, 1-based): chr9:127,825,269-127,825,270, AC duplicated on the plus strand (GT on the coding strand, the reverse complement: ENG is on the minus strand); duplicating any 2 consecutive bases within chr9:127,825,269-127,825,272 gives the same sequence; the c. name uses the placement nearest the transcript's 3' end. VCF-style (leftmost placement, unchanged base first): chr9-127825268-G-GAC. GRCh37 (hg19) VCF-style: chr9-130587547-G-GAC.
Other names: c.775_776GT[3], p.Ser260Cysfs (NM_000118.4, NM_001406715.1); c.231_232dup, p.Ser78fs (NM_001278138.2); c.778_779insGT (NM_000118.3); short protein forms S260fs, S78fs.
Identifiers: ClinVar variation 944925 (VCV000944925.11), dbSNP rs1830579577, ClinGen allele CA1879974407.

ClinVar aggregate classification (germline): Pathogenic. Review status: criteria provided, multiple submitters, no conflicts (2 of 4 stars). 2 submissions from 2 submitters: Pathogenic (2). Last evaluated 2019-07-31.

Conditions:
Hereditary hemorrhagic telangiectasia (HHT). Also called: ORW DISEASE; Osler Weber Rendu syndrome; OSLER-RENDU-WEBER DISEASE; Osler hemorrhagic telangiectasia syndrome. Identifiers: Orphanet 774, MedGen C0039445, MONDO:0019180. Disease mechanism: loss of function.
Telangiectasia, hereditary hemorrhagic, type 1 (HHT1). Also called: Osler Weber Rendu syndrome type 1; ENG-Related Hereditary Hemorrhagic Telangiectasia. Identifiers: Orphanet 774, MedGen C4551861, MONDO:0008535, OMIM 187300. Disease mechanism: loss of function.

Submissions (2):

Labcorp Genetics (formerly Invitae), Labcorp
Classification: Pathogenic for Hereditary hemorrhagic telangiectasia. Last evaluated: 2019-07-31. Review status: criteria provided, single submitter. Criteria: Invitae Variant Classification Sherloc (09022015). Collection method: clinical testing. Allele origin: germline.
Comment: This sequence change creates a premature translational stop signal (p.Ser260Cysfs*100) in the ENG gene. It is expected to result in an absent or disrupted protein product. This variant is not present in population databases (ExAC no frequency). For these reasons, this variant has been classified as Pathogenic. Loss-of-function variants in ENG are known to be pathogenic (PMID: 15879500, 20656886, 22385575). This variant has not been reported in the literature in individuals with ENG-related conditions.

NIHR Bioresource Rare Diseases, University of Cambridge
Classification: Pathogenic for Telangiectasia, hereditary hemorrhagic, type 1. Last evaluated: 2018-01-01. Review status: criteria provided, single submitter. Criteria: ACMG Guidelines, 2015. Collection method: research. Allele origin: unknown. Affected: yes. Observed: 1 variant allele.
Comment: PVS1+PM2+PP4

Literature cited by the submitters: PubMed 15879500 (cited by Labcorp Genetics (formerly Invitae), Labcorp); PubMed 20656886 (cited by Labcorp Genetics (formerly Invitae), Labcorp); PubMed 22385575 (cited by Labcorp Genetics (formerly Invitae), Labcorp); PubMed 32573726 (cited by NIHR Bioresource Rare Diseases, University of Cambridge).